The following is an entry in ClinVar:

ClinVar aggregate classification (germline): Conflicting classifications of pathogenicity. Review status: criteria provided, conflicting classifications (1 of 4 stars). 2 submissions from 2 submitters: Likely pathogenic (1); Uncertain significance (1). Last evaluated 2021-06-30.

Conditions:
Inborn genetic diseases. Identifiers: MedGen C0950123, MeSH D030342.
Neurodevelopmental disorder with or without hyperkinetic movements and seizures, autosomal dominant. Also called: Intellectual disability, autosomal dominant 8. Identifiers: MedGen C3280282, MONDO:0013655, OMIM 614254.

Submissions (2):

Labcorp Genetics (formerly Invitae), Labcorp
Classification: Likely pathogenic for Neurodevelopmental disorder with or without hyperkinetic movements and seizures, autosomal dominant. Last evaluated: 2021-06-30. Review status: criteria provided, single submitter. Criteria: Invitae Variant Classification Sherloc (09022015). Collection method: clinical testing. Allele origin: germline.
Comment: In summary, the currently available evidence indicates that the variant is pathogenic, but additional data are needed to prove that conclusively. Therefore, this variant has been classified as Likely Pathogenic. Algorithms developed to predict the effect of missense changes on protein structure and function are either unavailable or do not agree on the potential impact of this missense change (SIFT: "Deleterious"; PolyPhen-2: "Probably Damaging"; Align-GVGD: "Class C0"). ClinVar contains an entry for this variant (Variation ID: 520799). This variant has been observed in individual(s) with clinical features of GRIN1-related conditions (Invitae). In at least one individual the variant was observed to be de novo. This variant is not present in population databases (ExAC no frequency). This sequence change replaces threonine with isoleucine at codon 807 of the GRIN1 protein (p.Thr807Ile). The threonine residue is highly conserved and there is a moderate physicochemical difference between threonine and isoleucine.

Ambry Genetics
Classification: Uncertain significance for Inborn genetic diseases. Last evaluated: 2015-10-19. Review status: criteria provided, single submitter. Criteria: Ambry exome assertion method (8-5-2015). Collection method: clinical testing. Allele origin: germline. Affected: yes. Observed: 1 variant allele.

NM_007327.4(GRIN1):c.2420C>T (p.Thr807Ile)

Gene: GRIN1 (glutamate ionotropic receptor NMDA type subunit 1; plus strand). Cytogenetic location: 9q34.3.
Variant type: single nucleotide variant.
Coding change: c.2420C>T on transcript NM_007327.4 (MANE Select); coding-DNA position 2420, C replaced by T.
Protein change: p.Thr807Ile; replaces threonine 807 with isoleucine.
Molecular consequence: missense variant.
Genome position (GRCh38, 1-based): chr9:137,163,645, C>T. VCF-style: chr9-137163645-C-T. GRCh37 (hg19) VCF-style: chr9-140058097-C-T.
Other names: c.2420C>T, p.Thr807Ile (NM_000832.7, NM_021569.4); c.2483C>T, p.Thr828Ile (NM_001185090.2, NM_001185091.2); short protein forms T807I, T828I.
Identifiers: ClinVar variation 520799 (VCV000520799.12), dbSNP rs1554770590, ClinGen allele CA375725842.